The following is an entry in ClinVar:

ClinVar aggregate classification (germline): Uncertain significance (1 of 4 stars; one submission).

Allele frequency attached by ClinVar (database versions not stated): TOPMed below 0.00001; gnomAD 0.00001; gnomAD exomes 0.00001.
gnomAD v4.1: 6 of 1,614,096 alleles (0.00037%); highest among the groups gnomAD compares: Non-Finnish European, 0.00051%; no homozygotes.

Submission:

Labcorp Genetics (formerly Invitae), Labcorp
Classification: Uncertain significance. Last evaluated: 2023-10-03. Review status: criteria provided, single submitter. Criteria: Invitae Variant Classification Sherloc (09022015). Collection method: clinical testing. Allele origin: germline.
Comment: This sequence change replaces methionine, which is neutral and non-polar, with valine, which is neutral and non-polar, at codon 318 of the ALDH6A1 protein (p.Met318Val). This variant is not present in population databases (gnomAD no frequency). This variant has not been reported in the literature in individuals affected with ALDH6A1-related conditions. ClinVar contains an entry for this variant (Variation ID: 1994900). An algorithm developed to predict the effect of missense changes on protein structure and function (PolyPhen-2) suggests that this variant is likely to be disruptive. In summary, the available evidence is currently insufficient to determine the role of this variant in disease. Therefore, it has been classified as a Variant of Uncertain Significance.

NM_005589.4(ALDH6A1):c.952A>G (p.Met318Val)

Genes: ALDH6A1 (aldehyde dehydrogenase 6 family member A1; minus strand), BBOF1 (basal body orientation factor 1; plus strand). Cytogenetic location: 14q24.3.
Variant type: single nucleotide variant.
Coding change: c.952A>G on transcript NM_005589.4 (MANE Select); coding-DNA position 952, A replaced by G.
Protein change: p.Met318Val; replaces methionine 318 with valine.
Molecular consequence: missense variant.
Genome position (GRCh38, 1-based): chr14:74,067,470, T>C on the plus strand (A>G on the coding strand, the complement: ALDH6A1 is on the minus strand). VCF-style: chr14-74067470-T-C. GRCh37 (hg19) VCF-style: chr14-74534173-T-C.
Other names: c.913A>G, p.Met305Val (NM_001278593.2); c.490A>G, p.Met164Val (NM_001278594.2); short protein forms M305V, M164V, M318V.
Identifiers: ClinVar variation 1994900 (VCV001994900.4), dbSNP rs1415314155, ClinGen allele CA390368897.
Genomic context (GRCh38, chr14:74,067,470, plus strand): 5'-CCACCAGCTCTGGCAGCCACTTCTTGGCTTCTCCCACAAGGACTGCTGTTGAAAGAGCCA[T>C]GCAGCGCTGACCAGCAGCTCCAAATGCTGCCCCAACCAGCTGGTTCAGGGTATTTTCCTT-3'
Protein context (NP_005580.1, residues 308-328): AAFGAAGQRC[Met318Val]ALSTAVLVGE